The following is an entry in ClinVar:

NM_000038.6(APC):c.3722G>T (p.Gly1241Val)

Gene: APC (APC regulator of Wnt signaling pathway; plus strand). Cytogenetic location: 5q22.2.
Variant type: single nucleotide variant.
Coding change: c.3722G>T on transcript NM_000038.6 (MANE Select); coding-DNA position 3722, G replaced by T.
Protein change: p.Gly1241Val; replaces glycine 1241 with valine.
Molecular consequence: missense variant. On other transcripts: non-coding transcript variant (2).
Genome position (GRCh38, 1-based): chr5:112,839,316, G>T. VCF-style: chr5-112839316-G-T. GRCh37 (hg19) VCF-style: chr5-112175013-G-T.
Other names: c.3722G>T, p.Gly1241Val (NM_001127510.3, NM_001354895.2, NM_001407450.1); c.3668G>T, p.Gly1223Val (NM_001127511.3); c.3776G>T, p.Gly1259Val (NM_001354896.2, NM_001407447.1, NM_001407448.1 and 1 more transcripts); c.3752G>T, p.Gly1251Val (NM_001354897.2); c.3647G>T, p.Gly1216Val (NM_001354898.2); c.3638G>T, p.Gly1213Val (NM_001354899.2); c.3599G>T, p.Gly1200Val (NM_001354900.2); c.3545G>T, p.Gly1182Val (NM_001354901.2, NM_001407453.1); and 11 more; short protein forms G1081V, G1112V, G1115V, G1140V, G1150V, G1158V, G1182V, G1200V.
Identifiers: ClinVar variation 4801474 (VCV004801474.1).
Genomic context (GRCh38, chr5:112,839,316, plus strand): 5'-CTTCATCTAATGCCAAGAGGCAGAATCAGCTCCATCCAAGTTCTGCACAGAGTAGAAGTG[G>T]TCAGCCTCAAAAGGCTGCCACTTGCAAAGTTTCTTCTATTAACCAAGAAACAATACAGAC-3'
Protein context (NP_000029.2, residues 1231-1251): LHPSSAQSRS[Gly1241Val]QPQKAATCKV

ClinVar aggregate classification (germline): Uncertain significance (1 of 4 stars; one submission).

Conditions:
Familial adenomatous polyposis 1 (FAP1). Also called: FAMILIAL ADENOMATOUS POLYPOSIS 1, ATTENUATED; POLYPOSIS, ADENOMATOUS INTESTINAL. Identifiers: MedGen C2713442, MONDO:0021056, OMIM 175100. Disease mechanism: loss of function.

Submission:

Labcorp Genetics (formerly Invitae), Labcorp
Classification: Uncertain significance for Familial adenomatous polyposis 1. Last evaluated: 2025-09-16. Review status: criteria provided, single submitter. Criteria: Invitae Variant Classification Sherloc (09022015). Collection method: clinical testing. Allele origin: germline.
Comment: This sequence change replaces glycine, which is neutral and non-polar, with valine, which is neutral and non-polar, at codon 1241 of the APC protein (p.Gly1241Val). This variant is not present in population databases (gnomAD no frequency). This variant has not been reported in the literature in individuals affected with APC-related conditions. Invitae Evidence Modeling of protein sequence and biophysical properties (such as structural, functional, and spatial information, amino acid conservation, physicochemical variation, residue mobility, and thermodynamic stability) indicates that this missense variant is not expected to disrupt APC protein function with a negative predictive value of 95%. In summary, the available evidence is currently insufficient to determine the role of this variant in disease. Therefore, it has been classified as a Variant of Uncertain Significance.